The following is an entry in ClinVar:

ClinVar aggregate classification (germline): Benign/Likely benign. Review status: criteria provided, multiple submitters, no conflicts (2 of 4 stars). 3 submissions from 3 submitters: Benign (1); Likely benign (2). Last evaluated 2025-02-25.

Conditions:
Hereditary cancer-predisposing syndrome. Also called: Tumor predisposition; Hereditary Cancer Syndrome; Neoplastic Syndromes, Hereditary; Hereditary neoplastic syndrome. Identifiers: Orphanet 140162, MedGen C0027672, MeSH D009386, MONDO:0015356.
Multiple endocrine neoplasia, type 2 (MEN2). Identifiers: Orphanet 653, MedGen C4048306, MONDO:0019003. Disease mechanism: gain of function.
Multiple endocrine neoplasia type 2A. Also called: MULTIPLE ENDOCRINE NEOPLASIA, TYPE IIA; PTC SYNDROME; SIPPLE SYNDROME; MEN 2A; MEN-2A syndrome; Pheochromocytoma and amyloid producing medullary thyroid carcinoma. Identifiers: Orphanet 247698, Orphanet 653, MedGen C0025268, MeSH D018813, MONDO:0008234, OMIM 171400.

Allele frequency attached by ClinVar (database versions not stated): gnomAD exomes below 0.00001.
gnomAD v4.1: 1 of 1,611,770 alleles (0.000062%); highest among the groups gnomAD compares: Non-Finnish European, 0.000085%; no homozygotes.

Submissions (3):

Myriad Genetics, Inc.
Classification: Benign for Multiple endocrine neoplasia type 2A. Last evaluated: 2025-02-25. Review status: criteria provided, single submitter. Criteria: Myriad Autosomal Dominant, Autosomal Recessive and X-Linked Classification Criteria (2023). Collection method: clinical testing. Allele origin: unknown.
Comment: This variant is considered benign. This variant is a silent/synonymous amino acid change and it is not expected to impact splicing.

Labcorp Genetics (formerly Invitae), Labcorp
Classification: Likely benign for Multiple endocrine neoplasia, type 2. Last evaluated: 2024-04-15. Review status: criteria provided, single submitter. Criteria: Invitae Variant Classification Sherloc (09022015). Collection method: clinical testing. Allele origin: germline.

Ambry Genetics
Classification: Likely benign for Hereditary cancer-predisposing syndrome. Last evaluated: 2019-10-01. Review status: criteria provided, single submitter. Criteria: Ambry Variant Classification Scheme 2023. Collection method: clinical testing. Allele origin: germline.

NM_020975.6(RET):c.885G>A (p.Thr295=)

Gene: RET (ret proto-oncogene; plus strand). Cytogenetic location: 10q11.21.
Variant type: single nucleotide variant.
Coding change: c.885G>A on transcript NM_020975.6 (MANE Select); coding-DNA position 885, G replaced by A.
Protein change: p.Thr295=; no amino-acid change (threonine 295 retained).
Molecular consequence: synonymous variant. On other transcripts: intron variant (25).
Genome position (GRCh38, 1-based): chr10:43,106,393, G>A. VCF-style: chr10-43106393-G-A. GRCh37 (hg19) VCF-style: chr10-43601841-G-A.
Other names: c.885G>A, p.Thr295= (NM_000323.2, NM_001406743.1, NM_001406744.1 and 6 more transcripts); c.123G>A, p.Thr41= (NM_001355216.2); c.756G>A, p.Thr252= (NM_001406761.1, NM_001406762.1, NM_001406764.1 and 1 more transcripts); c.597G>A, p.Thr199= (NM_001406766.1, NM_001406767.1, NM_001406770.1); c.867+1200G>A (NM_001406772.1, NM_001406769.1); c.626-2638G>A (NM_001406773.1, NM_001406771.1); c.625+3764G>A (NM_001406782.1, NM_001406780.1, NM_001406779.1 and 3 more transcripts); c.738+1200G>A (NM_001406774.1); and 5 more.
Identifiers: ClinVar variation 822779 (VCV000822779.15), dbSNP rs1202206539, ClinGen allele CA469023524.
Genomic context (GRCh38, chr10:43,106,393, plus strand): 5'-GCCCATCTCGCCTGCACTGACCAACGCCCTCTGCATCCTGCAGGACACCGTGGTGGCCAC[G>A]CTGCGTGTCTTCGATGCAGACGTGGTACCTGCATCAGGGGAGCTGGTGAGGCGGTACACA-3'
Protein context (NP_066124.1, residues 285-305): FKRKEDTVVA[Thr295=]LRVFDADVVP